The following is an entry in ClinVar:

NM_017882.3(CLN6):c.723G>T (p.Met241Ile)

Gene: CLN6 (CLN6 transmembrane ER protein; minus strand). Cytogenetic location: 15q23.
Variant type: single nucleotide variant.
Coding change: c.723G>T on transcript NM_017882.3 (MANE Select); coding-DNA position 723, G replaced by T.
Protein change: p.Met241Ile; replaces methionine 241 with isoleucine.
Molecular consequence: missense variant.
Genome position (GRCh38, 1-based): chr15:68,208,353, C>A on the plus strand (G>T on the coding strand, the complement: CLN6 is on the minus strand). VCF-style: chr15-68208353-C-A. GRCh37 (hg19) VCF-style: chr15-68500691-C-A.
Other names: short protein forms M241I.
Identifiers: ClinVar variation 1029493 (VCV001029493.4), dbSNP rs149262877, ClinGen allele CA272382848.

ClinVar aggregate classification (germline): Conflicting classifications of pathogenicity. Review status: criteria provided, conflicting classifications (1 of 4 stars). 3 submissions from 3 submitters: Likely pathogenic (1); Uncertain significance (1). 1 of the submissions does not count toward it. Last evaluated 2025-12-12.

Conditions:
Ceroid lipofuscinosis, neuronal, 6A. Also called: Neuronal ceroid lipofuscinosis, Gypsy/Indian early juvenile variant; Neuronal ceroid lipofuscinosis 6; CLN6-Related Neuronal Ceroid-Lipofuscinosis; Neuronal ceroid lipofuscinosis, late infantile, variant. Identifiers: Orphanet 168491, Orphanet 228363, MedGen C5551375, MONDO:0011144, OMIM 601780.

Allele frequency attached by ClinVar (database versions not stated): TOPMed 0.00003; ESP Exome Variant Server 0.00008.

Submissions (3):

Natera, Inc.
Classification: Likely pathogenic for Ceroid lipofuscinosis, neuronal, 6A. Last evaluated: 2025-12-12. Review status: criteria provided, single submitter. Criteria: Natera Variant Classification Schema (03/2026). Collection method: clinical testing. Allele origin: germline.
Comment: The c.723G>T variant in CLN6 is a missense variant predicted to cause substitution of methionine to isoleucine at amino acid 241. This variant is rare in the general population with a frequency below the threshold expected for the associated phenotype(s). This variant has been observed in one or more individuals affected with the associated recessive disease, as either homozygous or compound heterozygous with a second variant (PMID: 30528883). A different variant at the same position has been determined to be Pathogenic or Likely Pathogenic. Computational prediction algorithms indicate this variant is likely to affect gene or protein function. Given the available evidence, this variant is classified as Likely Pathogenic.

Baylor Genetics
Classification: Uncertain significance for Ceroid lipofuscinosis, neuronal, 6A. Last evaluated: 2019-02-26. Review status: criteria provided, single submitter. Criteria: ACMG Guidelines, 2015. Collection method: clinical testing. Allele origin: paternal. Affected: yes.
Comment: This variant was determined to be of uncertain significance according to ACMG Guidelines, 2015 [PMID:25741868].

OMIM
Classification: Pathogenic for CEROID LIPOFUSCINOSIS, NEURONAL, 6A. Last evaluated: 2021-12-01. Review status: no assertion criteria provided. Collection method: literature only. Allele origin: germline. Not counted in ClinVar's aggregate classification.

Literature cited by the submitters: PubMed 30528883 (cited by Natera, Inc. and OMIM).